The following is an entry in ClinVar:

NM_001351132.2(PEX5):c.1037T>C (p.Leu346Pro)

Gene: PEX5 (peroxisomal biogenesis factor 5; plus strand). Cytogenetic location: 12p13.31.
Variant type: single nucleotide variant.
Coding change: c.1037T>C on transcript NM_001351132.2 (MANE Select); coding-DNA position 1037, T replaced by C.
Protein change: p.Leu346Pro; replaces leucine 346 with proline.
Molecular consequence: missense variant.
Genome position (GRCh38, 1-based): chr12:7,207,729, T>C. VCF-style: chr12-7207729-T-C. GRCh37 (hg19) VCF-style: chr12-7360325-T-C.
Other names: c.1013T>C, p.Leu338Pro (NM_000319.5); c.1082T>C, p.Leu361Pro (NM_001131023.2); c.926T>C, p.Leu309Pro (NM_001131024.2, NM_001351124.3, NM_001351126.2 and 7 more transcripts); c.1037T>C, p.Leu346Pro (NM_001131025.2, NM_001131026.2, NM_001300789.3 and 4 more transcripts); c.971T>C, p.Leu324Pro (NM_001351135.3, NM_001351138.2); c.1028T>C, p.Leu343Pro (NM_001351136.2); c.902T>C, p.Leu301Pro (NM_001351139.2, NM_001351140.2, NM_001374649.2); short protein forms L301P, L309P, L361P, L324P, L338P, L343P, L346P.
Identifiers: ClinVar variation 1444976 (VCV001444976.8), dbSNP rs2136227054, ClinGen allele CA383730423.

ClinVar aggregate classification (germline): Uncertain significance (1 of 4 stars; one submission).

Conditions:
Peroxisome biogenesis disorder 2B (PBD2B). Identifiers: Orphanet 44, MedGen C3550234, MONDO:0008736, OMIM 202370.

Submission:

Labcorp Genetics (formerly Invitae), Labcorp
Classification: Uncertain significance for Peroxisome biogenesis disorder 2B. Last evaluated: 2021-02-01. Review status: criteria provided, single submitter. Criteria: Invitae Variant Classification Sherloc (09022015). Collection method: clinical testing. Allele origin: germline.
Comment: This sequence change replaces leucine with proline at codon 346 of the PEX5 protein (p.Leu346Pro). The leucine residue is moderately conserved and there is a moderate physicochemical difference between leucine and proline. This variant is not present in population databases (ExAC no frequency). In summary, the available evidence is currently insufficient to determine the role of this variant in disease. Therefore, it has been classified as a Variant of Uncertain Significance. Algorithms developed to predict the effect of missense changes on protein structure and function are either unavailable or do not agree on the potential impact of this missense change (SIFT: "Deleterious"; PolyPhen-2: "Probably Damaging"; Align-GVGD: "Class C0"). This variant has not been reported in the literature in individuals with PEX5-related conditions.